The following is an entry in ClinVar:

ClinVar aggregate classification (germline): Uncertain significance. Review status: criteria provided, multiple submitters, no conflicts (2 of 4 stars). 2 submissions from 2 submitters: Uncertain significance (2). Last evaluated 2025-07-16.

Conditions:
Hereditary cancer-predisposing syndrome. Also called: Tumor predisposition; Hereditary neoplastic syndrome; Hereditary Cancer Syndrome; Neoplastic Syndromes, Hereditary. Identifiers: Orphanet 140162, MedGen C0027672, MeSH D009386, MONDO:0015356.
Breast-ovarian cancer, familial, susceptibility to, 4. Identifiers: Orphanet 145, MedGen C3280345, MONDO:0013669, OMIM 614291.

Allele frequency attached by ClinVar (database versions not stated): gnomAD exomes below 0.00001.
gnomAD v4.1: 2 of 1,613,102 alleles (0.00012%); highest among the groups gnomAD compares: South Asian, 0.0022%; no homozygotes.

Submissions (2):

Labcorp Genetics (formerly Invitae), Labcorp
Classification: Uncertain significance for Breast-ovarian cancer, familial, susceptibility to, 4. Last evaluated: 2025-07-16. Review status: criteria provided, single submitter. Criteria: Invitae Variant Classification Sherloc (09022015). Collection method: clinical testing. Allele origin: germline.
Comment: This sequence change replaces isoleucine, which is neutral and non-polar, with threonine, which is neutral and polar, at codon 86 of the RAD51D protein (p.Ile86Thr). This variant is present in population databases (no rsID available, gnomAD 0.003%). This variant has not been reported in the literature in individuals affected with RAD51D-related conditions. ClinVar contains an entry for this variant (Variation ID: 1461354). Invitae Evidence Modeling of protein sequence and biophysical properties (such as structural, functional, and spatial information, amino acid conservation, physicochemical variation, residue mobility, and thermodynamic stability) indicates that this missense variant is not expected to disrupt RAD51D protein function with a negative predictive value of 80%. In summary, the available evidence is currently insufficient to determine the role of this variant in disease. Therefore, it has been classified as a Variant of Uncertain Significance.

Color Diagnostics, LLC DBA Color Health
Classification: Uncertain significance for Hereditary cancer-predisposing syndrome. Last evaluated: 2024-03-06. Review status: criteria provided, single submitter. Criteria: ACMG Guidelines, 2015. Collection method: clinical testing. Allele origin: germline.
Comment: This missense variant replaces isoleucine with threonine at codon 86 of the RAD51D protein. Computational prediction suggests that this variant may not impact protein structure and function (internally defined REVEL score threshold <= 0.5, PMID: 27666373). To our knowledge, functional studies have not been reported for this variant. This variant has not been reported in individuals affected with hereditary cancer in the literature. This variant has been identified in 1/251460 chromosomes in the general population by the Genome Aggregation Database (gnomAD). The available evidence is insufficient to determine the role of this variant in disease conclusively. Therefore, this variant is classified as a Variant of Uncertain Significance.

NM_002878.4(RAD51D):c.257T>C (p.Ile86Thr)

Genes: RAD51D (RAD51 paralog D; minus strand), RAD51L3-RFFL (RAD51L3-RFFL readthrough; minus strand). Cytogenetic location: 17q12.
Variant type: single nucleotide variant.
Coding change: c.257T>C on transcript NM_002878.4 (MANE Select); coding-DNA position 257, T replaced by C.
Protein change: p.Ile86Thr; replaces isoleucine 86 with threonine.
Molecular consequence: missense variant. On other transcripts: intron variant (2).
Genome position (GRCh38, 1-based): chr17:35,118,507, A>G on the plus strand (T>C on the coding strand, the complement: RAD51D is on the minus strand). VCF-style: chr17-35118507-A-G. GRCh37 (hg19) VCF-style: chr17-33445526-A-G.
Other names: c.144+604T>C (NM_133629.3, NM_001142571.2); short protein forms I86T.
Identifiers: ClinVar variation 1461354 (VCV001461354.8), dbSNP rs1312421615, ClinGen allele CA399091185.
Genomic context (GRCh38, chr17:35,118,507, plus strand): 5'-GAGGAGGCCCCATCCTCCTGCCTCTCTCCTTCTTCCCCAAGTACACACACAAACCTGCCA[A>G]TGCCAGTGGACAGGATGGCAGTGGAGGTCTTCAGTTCCTCGTAGAGATCAGCGCCATTCA-3'
Protein context (NP_002869.3, residues 76-96): KTSTAILSTG[Ile86Thr]GSLDKLLDAG